The following is an entry in ClinVar:

ClinVar aggregate classification (germline): Uncertain significance (1 of 4 stars; one submission).

Submission:

GeneDx
Classification: Uncertain significance. Last evaluated: 2022-10-21. Review status: criteria provided, single submitter. Criteria: GeneDx Variant Classification Process June 2021. Collection method: clinical testing. Allele origin: germline. Affected: yes.
Comment: Not observed at significant frequency in large population cohorts (gnomAD); In silico analysis supports that this missense variant has a deleterious effect on protein structure/function; Has not been previously published as pathogenic or benign to our knowledge

NM_001353345.2(SETD1B):c.4367A>T (p.Asp1456Val)

Gene: SETD1B (SET domain containing 1B, histone lysine methyltransferase; plus strand). Cytogenetic location: 12q24.31.
Variant type: single nucleotide variant.
Coding change: c.4367A>T on transcript NM_001353345.2 (MANE Select); coding-DNA position 4367, A replaced by T.
Protein change: p.Asp1456Val; replaces aspartic acid 1456 with valine.
Molecular consequence: missense variant.
Genome position (GRCh38, 1-based): chr12:121,822,946, A>T. VCF-style: chr12-121822946-A-T. GRCh37 (hg19) VCF-style: chr12-122260852-A-T.
Other names: short protein forms D1456V.
Identifiers: ClinVar variation 2499782 (VCV002499782.1), dbSNP rs2500233885, ClinGen allele CA386998877.